The following is an entry in ClinVar:

NM_001854.4(COL11A1):c.4033-295C>A

Gene: COL11A1 (collagen type XI alpha 1 chain; minus strand). Cytogenetic location: 1p21.1.
Variant type: single nucleotide variant.
Coding change: c.4033-295C>A on transcript NM_001854.4 (MANE Select); 295 bases into the intron before coding-DNA position 4033, C replaced by A.
Molecular consequence: intron variant.
Genome position (GRCh38, 1-based): chr1:102,912,507, G>T on the plus strand (C>A on the coding strand, the complement: COL11A1 is on the minus strand). VCF-style: chr1-102912507-G-T. GRCh37 (hg19) VCF-style: chr1-103378063-G-T.
Other names: c.3916-295C>A (NM_001190709.2); c.4069-295C>A (NM_080629.3); c.3685-295C>A (NM_080630.4).
Identifiers: ClinVar variation 681241 (VCV000681241.1), dbSNP rs12119468, ClinGen allele CA27674680.

ClinVar aggregate classification (germline): Benign (1 of 4 stars; one submission).

Allele frequency attached by ClinVar (database versions not stated): 1000 Genomes Project 30x 0.03389; 1000 Genomes Project 0.03594; TOPMed 0.05537; gnomAD 0.05930 and 0.06056.
gnomAD v4.1: 9,046 of 152,180 alleles (5.9%); highest among the groups gnomAD compares: Non-Finnish European, 8.5%; 333 homozygotes.

Submission:

GeneDx
Classification: Benign. Last evaluated: 2018-06-14. Review status: criteria provided, single submitter. Criteria: GeneDx Variant Classification (06012015). Collection method: clinical testing. Allele origin: germline. Affected: yes.
Comment: This variant is considered likely benign or benign based on one or more of the following criteria: it is a conservative change, it occurs at a poorly conserved position in the protein, it is predicted to be benign by multiple in silico algorithms, and/or has population frequency not consistent with disease.